The following is an entry in ClinVar:

NM_007194.4(CHEK2):c.810T>C (p.Val270=)

Gene: CHEK2 (checkpoint kinase 2; minus strand). Cytogenetic location: 22q12.1.
Variant type: single nucleotide variant.
Coding change: c.810T>C on transcript NM_007194.4 (MANE Select); coding-DNA position 810, T replaced by C.
Protein change: p.Val270=; no amino-acid change (valine 270 retained).
Molecular consequence: synonymous variant.
Genome position (GRCh38, 1-based): chr22:28,710,042, A>G on the plus strand (T>C on the coding strand, the complement: CHEK2 is on the minus strand). VCF-style: chr22-28710042-A-G. GRCh37 (hg19) VCF-style: chr22-29106030-A-G.
Other names: c.939T>C, p.Val313= (NM_001005735.3); c.147T>C, p.Val49= (NM_001257387.3); c.609T>C, p.Val203= (NM_001349956.3); c.810T>C, p.Val270= (NM_145862.3).
Identifiers: ClinVar variation 827461 (VCV000827461.14), dbSNP rs1601777666, ClinGen allele CA513945138.

ClinVar aggregate classification (germline): Benign/Likely benign. Review status: criteria provided, multiple submitters, no conflicts (2 of 4 stars). 3 submissions from 3 submitters: Benign (1); Likely benign (2). Last evaluated 2026-02-02.

Conditions:
Hereditary cancer-predisposing syndrome. Also called: Neoplastic Syndromes, Hereditary; Tumor predisposition; Hereditary neoplastic syndrome; Hereditary Cancer Syndrome. Identifiers: Orphanet 140162, MedGen C0027672, MeSH D009386, MONDO:0015356.
Familial cancer of breast. Also called: BREAST CANCER, FAMILIAL; Hereditary breast cancer; hereditary breast carcinoma. Identifiers: Orphanet 227535, MedGen C0346153, MONDO:0016419, OMIM 114480. Disease mechanism: loss of function.

Submissions (3):

Labcorp Genetics (formerly Invitae), Labcorp
Classification: Likely benign for Familial cancer of breast. Last evaluated: 2026-02-02. Review status: criteria provided, single submitter. Criteria: Invitae Variant Classification Sherloc (09022015). Collection method: clinical testing. Allele origin: germline.

Myriad Genetics, Inc.
Classification: Benign for Familial cancer of breast. Last evaluated: 2024-10-03. Review status: criteria provided, single submitter. Criteria: Myriad Autosomal Dominant, Autosomal Recessive and X-Linked Classification Criteria (2023). Collection method: clinical testing. Allele origin: unknown.
Comment: This variant is considered benign. This variant is a silent/synonymous amino acid change and it is not expected to impact splicing.

Ambry Genetics
Classification: Likely benign for Hereditary cancer-predisposing syndrome. Last evaluated: 2015-12-04. Review status: criteria provided, single submitter. Criteria: Ambry Variant Classification Scheme 2023. Collection method: clinical testing. Allele origin: germline.